The following is an entry in ClinVar:

ClinVar aggregate classification (germline): Uncertain significance (1 of 4 stars; one submission).

Conditions:
Inborn genetic diseases. Identifiers: MedGen C0950123, MeSH D030342.

Submission:

Ambry Genetics
Classification: Uncertain significance for Inborn genetic diseases. Last evaluated: 2025-04-06. Review status: criteria provided, single submitter. Criteria: Ambry Variant Classification Scheme 2023. Collection method: clinical testing. Allele origin: germline.
Comment: The p.V320I variant (also known as c.958G>A), located in coding exon 5 of the ETV6 gene, results from a G to A substitution at nucleotide position 958. The valine at codon 320 is replaced by isoleucine, an amino acid with highly similar properties. This amino acid position is conserved. In addition, this alteration is predicted to be tolerated by in silico analysis. Based on the available evidence, the clinical significance of this variant remains unclear.

NM_001987.5(ETV6):c.958G>A (p.Val320Ile)

Gene: ETV6 (ETS variant transcription factor 6; plus strand). Cytogenetic location: 12p13.2.
Variant type: single nucleotide variant.
Coding change: c.958G>A on transcript NM_001987.5 (MANE Select); coding-DNA position 958, G replaced by A.
Protein change: p.Val320Ile; replaces valine 320 with isoleucine.
Molecular consequence: missense variant.
Genome position (GRCh38, 1-based): chr12:11,869,918, G>A. VCF-style: chr12-11869918-G-A. GRCh37 (hg19) VCF-style: chr12-12022852-G-A.
Other names: c.955G>A, p.Val319Ile (NM_001413913.1); c.931G>A, p.Val311Ile (NM_001413914.1); c.694G>A, p.Val232Ile (NM_001413915.1); c.958G>A, p.Val320Ile (NM_001413916.1, NM_001413917.1); short protein forms V311I, V232I, V320I, V319I.
Identifiers: ClinVar variation 4020058 (VCV004020058.1).